The following is an entry in ClinVar:

NM_025077.4(TOE1):c.324del (p.Gln108fs)

Gene: TOE1 (target of EGR1, exonuclease; plus strand). Cytogenetic location: 1p34.1.
Variant type: Deletion.
Coding change: c.324del on transcript NM_025077.4 (MANE Select); coding-DNA position 324, one base deleted (G; older notation c.324delG).
Protein change: p.Gln108fs; shifts the reading frame from glutamine 108.
Molecular consequence: frameshift variant.
Genome position (GRCh38, 1-based): chr1:45,341,560, G deleted. VCF-style (leftmost placement, unchanged base first): chr1-45341559-AG-A. GRCh37 (hg19) VCF-style: chr1-45807231-AG-A.
Other names: short protein forms Q108fs.
Identifiers: ClinVar variation 4850315 (VCV004850315.1).

ClinVar aggregate classification (germline): Likely pathogenic (1 of 4 stars; one submission).

Conditions:
Pontocerebellar hypoplasia type 7. Identifiers: Orphanet 284339, MedGen C3554226, MONDO:0013993, OMIM 614969.

Submission:

First Genomix Gene Laboratory, Genetic Diagnostics Department
Classification: Likely pathogenic for Pontocerebellar hypoplasia type 7. Last evaluated: 2025-09-15. Review status: criteria provided, single submitter. Criteria: ACMG Guidelines, 2015. Collection method: clinical testing. Allele origin: germline. Inheritance: Autosomal recessive inheritance. Affected: no. Observed: 1 variant allele.